The following is an entry in ClinVar:

ClinVar aggregate classification (germline): Pathogenic (1 of 4 stars; one submission).

Conditions:
Familial cancer of breast. Also called: hereditary breast carcinoma; BREAST CANCER, FAMILIAL; Hereditary breast cancer. Identifiers: Orphanet 227535, MedGen C0346153, MONDO:0016419, OMIM 114480. Disease mechanism: loss of function.

Submission:

Labcorp Genetics (formerly Invitae), Labcorp
Classification: Pathogenic for Familial cancer of breast. Last evaluated: 2020-08-14. Review status: criteria provided, single submitter. Criteria: Invitae Variant Classification Sherloc (09022015). Collection method: clinical testing. Allele origin: germline.
Comment: This variant is an out-of-frame deletion of the genomic region encompassing exons 3-5 of the CHEK2 gene. This is expected to create a premature translational stop signal and result in an absent or disrupted protein product. This variant has not been reported in the literature in individuals with CHEK2-related conditions. Loss-of-function variants in CHEK2 are known to be pathogenic (PMID: 21876083, 24713400). For these reasons, this variant has been classified as Pathogenic.

Literature cited by the submitters: PubMed 21876083; PubMed 24713400.

NC_000022.10:g.(?_29115373)_(29121365_?)del

Gene: CHEK2 (checkpoint kinase 2; minus strand). Cytogenetic location: 22q12.1.
Variant type: Deletion.
Identifiers: ClinVar variation 1068727 (VCV001068727.6).